The following is an entry in ClinVar:

ClinVar aggregate classification (germline): Uncertain significance (1 of 4 stars; one submission).

Submission:

CeGaT Center for Human Genetics Tuebingen
Classification: Uncertain significance. Last evaluated: 2024-07-01. Review status: criteria provided, single submitter. Criteria: CeGaT Center For Human Genetics Tuebingen Variant Classification Criteria Version 2. Collection method: clinical testing. Allele origin: germline. Affected: yes. Observed: 1 variant allele.
Comment: GPHN: PM2:Supporting, BP4

NM_020806.5(GPHN):c.867C>T (p.Leu289=)

Gene: GPHN (gephyrin; plus strand). Cytogenetic location: 14q23.3.
Variant type: single nucleotide variant.
Coding change: c.867C>T on transcript NM_020806.5 (MANE Select); coding-DNA position 867, C replaced by T.
Protein change: p.Leu289=; no amino-acid change (leucine 289 retained).
Molecular consequence: synonymous variant.
Genome position (GRCh38, 1-based): chr14:66,965,229, C>T. VCF-style: chr14-66965229-C-T. GRCh37 (hg19) VCF-style: chr14-67431946-C-T.
Other names: c.768C>T, p.Leu256= (NM_001024218.2, NM_001377515.1, NM_001377516.1 and 2 more transcripts); c.807C>T, p.Leu269= (NM_001377514.1, NM_001377519.1).
Identifiers: ClinVar variation 3257338 (VCV003257338.17).
Genomic context (GRCh38, chr14:66,965,229, plus strand): 5'-CATAGTTGTTCCCCTTGTTCAGATTCCAGACTCCATCATTTCTCGTGGTGTTCAGGTGCT[C>T]CCACGAGACACAGCCTCCCTCAGCACTACTCCTTCAGAATCGCCTCGTGCTCAGGCTACA-3'
Protein context (NP_065857.1, residues 279-299): DSIISRGVQV[Leu289=]PRDTASLSTT